The following is an entry in ClinVar:

ClinVar aggregate classification (germline): Uncertain significance (1 of 4 stars; one submission).

Conditions:
Mendelian susceptibility to mycobacterial diseases due to complete IL12RB1 deficiency. Also called: Immunodeficiency 30; IL12RB1 DEFICIENCY. Identifiers: Orphanet 319552, MedGen C4013949, MONDO:0013955, OMIM 614891.

Allele frequency attached by ClinVar (database versions not stated): gnomAD exomes below 0.00001.

Submission:

Labcorp Genetics (formerly Invitae), Labcorp
Classification: Uncertain significance for Immunodeficiency 30. Last evaluated: 2018-07-05. Review status: criteria provided, single submitter. Criteria: Invitae Variant Classification Sherloc (09022015). Collection method: clinical testing. Allele origin: germline.
Comment: This sequence change replaces alanine with glycine at codon 407 of the IL12RB1 protein (p.Ala407Gly). The alanine residue is moderately conserved and there is a small physicochemical difference between alanine and glycine. This variant is not present in population databases (ExAC no frequency). This variant has not been reported in the literature in individuals with IL12RB1-related disease. Algorithms developed to predict the effect of missense changes on protein structure and function (SIFT, PolyPhen-2, Align-GVGD) all suggest that this variant is likely to be tolerated, but these predictions have not been confirmed by published functional studies and their clinical significance is uncertain. In summary, the available evidence is currently insufficient to determine the role of this variant in disease. Therefore, it has been classified as a Variant of Uncertain Significance.

NM_005535.3(IL12RB1):c.1220C>G (p.Ala407Gly)

Gene: IL12RB1 (interleukin 12 receptor subunit beta 1; minus strand). Cytogenetic location: 19p13.11.
Variant type: single nucleotide variant.
Coding change: c.1220C>G on transcript NM_005535.3 (MANE Select); coding-DNA position 1220, C replaced by G.
Protein change: p.Ala407Gly; replaces alanine 407 with glycine.
Molecular consequence: missense variant.
Genome position (GRCh38, 1-based): chr19:18,068,496, G>C on the plus strand (C>G on the coding strand, the complement: IL12RB1 is on the minus strand). VCF-style: chr19-18068496-G-C. GRCh37 (hg19) VCF-style: chr19-18179306-G-C.
Other names: c.1220C>G, p.Ala407Gly (NM_001290023.2); c.1340C>G, p.Ala447Gly (NM_001290024.2); short protein forms A407G, A447G.
Identifiers: ClinVar variation 581910 (VCV000581910.1), dbSNP rs1475212123, ClinGen allele CA404777857.